The following is an entry in ClinVar:

ClinVar aggregate classification (germline): Uncertain significance (1 of 4 stars; one submission).

Submission:

Labcorp Genetics (formerly Invitae), Labcorp
Classification: Uncertain significance. Last evaluated: 2025-06-03. Review status: criteria provided, single submitter. Criteria: Invitae Variant Classification Sherloc (09022015). Collection method: clinical testing. Allele origin: germline.
Comment: This sequence change replaces glutamine, which is neutral and polar, with lysine, which is basic and polar, at codon 19 of the CYP11B1 protein (p.Gln19Lys). This variant is present in population databases (rs763195324, gnomAD 0.01%). This variant has not been reported in the literature in individuals affected with CYP11B1-related conditions. Invitae Evidence Modeling of protein sequence and biophysical properties (such as structural, functional, and spatial information, amino acid conservation, physicochemical variation, residue mobility, and thermodynamic stability) indicates that this missense variant is not expected to disrupt CYP11B1 protein function with a negative predictive value of 95%. In summary, the available evidence is currently insufficient to determine the role of this variant in disease. Therefore, it has been classified as a Variant of Uncertain Significance.

NM_000497.4(CYP11B1):c.55C>A (p.Gln19Lys)

Genes: CYP11B1 (cytochrome P450 family 11 subfamily B member 1; minus strand), LOC110673972 (CYP11B1 promoter; plus strand). Cytogenetic location: 8q24.3.
Variant type: single nucleotide variant.
Coding change: c.55C>A on transcript NM_000497.4 (MANE Select); coding-DNA position 55, C replaced by A.
Protein change: p.Gln19Lys; replaces glutamine 19 with lysine.
Molecular consequence: missense variant.
Genome position (GRCh38, 1-based): chr8:142,879,759, G>T on the plus strand (C>A on the coding strand, the complement: CYP11B1 is on the minus strand). VCF-style: chr8-142879759-G-T. GRCh37 (hg19) VCF-style: chr8-143961175-G-T.
Other names: c.55C>A, p.Gln19Lys (NM_001026213.1); short protein forms Q19K.
Identifiers: ClinVar variation 4748118 (VCV004748118.1).